The following is an entry in ClinVar:

NM_001013703.4(EIF2AK4):c.4152T>C (p.Ala1384=)

Gene: EIF2AK4 (eukaryotic translation initiation factor 2 alpha kinase 4; plus strand). Cytogenetic location: 15q15.1.
Variant type: single nucleotide variant.
Coding change: c.4152T>C on transcript NM_001013703.4 (MANE Select); coding-DNA position 4152, T replaced by C.
Protein change: p.Ala1384=; no amino-acid change (alanine 1384 retained).
Molecular consequence: synonymous variant.
Genome position (GRCh38, 1-based): chr15:40,019,179, T>C. VCF-style: chr15-40019179-T-C. GRCh37 (hg19) VCF-style: chr15-40311380-T-C.
Identifiers: ClinVar variation 3038719 (VCV003038719.2), dbSNP rs2504636004, ClinGen allele CA489665798.

ClinVar aggregate classification (germline): Likely benign (0 of 4 stars; one submission).

Conditions:
EIF2AK4-related disorder. Also called: EIF2AK4-related condition.

Submission:

PreventionGenetics, part of Exact Sciences
Classification: Likely benign for EIF2AK4-related condition. Last evaluated: 2019-05-24. Review status: no assertion criteria provided. Collection method: clinical testing. Allele origin: germline.
Comment: This variant is classified as likely benign based on ACMG/AMP sequence variant interpretation guidelines (Richards et al. 2015 PMID: 25741868, with internal and published modifications).